The following is an entry in ClinVar:

NM_000278.5(PAX2):c.350G>C (p.Arg117Pro)

Gene: PAX2 (paired box 2; plus strand). Cytogenetic location: 10q24.31.
Variant type: single nucleotide variant.
Coding change: c.350G>C on transcript NM_000278.5 (MANE Select); coding-DNA position 350, G replaced by C.
Protein change: p.Arg117Pro; replaces arginine 117 with proline.
Molecular consequence: missense variant.
Genome position (GRCh38, 1-based): chr10:100,750,831, G>C. VCF-style: chr10-100750831-G-C. GRCh37 (hg19) VCF-style: chr10-102510588-G-C.
Other names: c.443G>C, p.Arg148Pro (NM_001304569.2); c.350G>C, p.Arg117Pro (NM_003987.5, NM_003988.5, NM_003989.5 and 1 more transcripts); short protein forms R117P, R148P.
Identifiers: ClinVar variation 661636 (VCV000661636.1), dbSNP rs773306707, ClinGen allele CA378258090.

ClinVar aggregate classification (germline): Uncertain significance (1 of 4 stars; one submission).

Conditions:
Focal segmental glomerulosclerosis 7 (FSGS7). Identifiers: Orphanet 656, MedGen C4014925, MONDO:0014451, OMIM 616002.
Renal coloboma syndrome (PAPRS). Also called: COLOBOMA OF OPTIC NERVE WITH RENAL DISEASE; OPTIC COLOBOMA, VESICOURETERAL REFLUX, AND RENAL ANOMALIES; OPTIC NERVE COLOBOMA WITH RENAL DISEASE; RENAL-COLOBOMA SYNDROME WITH MACULAR ABNORMALITIES; PAPILLORENAL SYNDROME WITH MILD OCULAR ABNORMALITIES; CONGENITAL ANOMALIES OF THE KIDNEY AND URINARY TRACT WITH OR WITHOUT OCULAR ABNORMALITIES. Identifiers: Orphanet 1475, MedGen C1852759, MONDO:0007352, OMIM 120330.

Submission:

Labcorp Genetics (formerly Invitae), Labcorp
Classification: Uncertain significance for Renal coloboma syndrome; Focal segmental glomerulosclerosis 7. Last evaluated: 2018-07-12. Review status: criteria provided, single submitter. Criteria: Invitae Variant Classification Sherloc (09022015). Collection method: clinical testing. Allele origin: germline.
Comment: This sequence change replaces arginine with proline at codon 117 of the PAX2 protein (p.Arg117Pro). The arginine residue is highly conserved and there is a moderate physicochemical difference between arginine and porline. This variant is not present in population databases (ExAC no frequency). This variant has been observed in an individual affected with renal coloboma syndrome (PMID:Â¬â€ 23539225). Algorithms developed to predict the effect of missense changes on protein structure and function are either unavailable or do not agree on the potential impact of this missense change (SIFT: "Deleterious"; PolyPhen-2: "Probably Damaging"; Align-GVGD: "Class C0"). In summary, the available evidence is currently insufficient to determine the role of this variant in disease. Therefore, it has been classified as a Variant of Uncertain Significance.